The following is an entry in ClinVar:

NM_001447.3(FAT2):c.5457G>A (p.Met1819Ile)

Genes: FAT2 (FAT atypical cadherin 2; minus strand), SLC36A1 (solute carrier family 36 member 1; plus strand). Cytogenetic location: 5q33.1.
Variant type: single nucleotide variant.
Coding change: c.5457G>A on transcript NM_001447.3 (MANE Select); coding-DNA position 5457, G replaced by A.
Protein change: p.Met1819Ile; replaces methionine 1819 with isoleucine.
Molecular consequence: missense variant.
Genome position (GRCh38, 1-based): chr5:151,545,670, C>T on the plus strand (G>A on the coding strand, the complement: FAT2 is on the minus strand). VCF-style: chr5-151545670-C-T. GRCh37 (hg19) VCF-style: chr5-150925231-C-T.
Other names: short protein forms M1819I.
Identifiers: ClinVar variation 3678936 (VCV003678936.2).
Genomic context (GRCh38, chr5:151,545,670, plus strand): 5'-ACAGAATTGGAAAGAGGGCATGCTCTCATAATCCATCTCTGATACAATGGTTAGGGTTCC[C>T]ATGCTGGGATCAATTTTGAAAAACTTCAAGGCCTCCGGCTCCAAAATTTTATAGACCAAC-3'
Protein context (NP_001438.1, residues 1809-1829): ALKFFKIDPS[Met1819Ile]GTLTIVSEMD

ClinVar aggregate classification (germline): Uncertain significance (1 of 4 stars; one submission).

gnomAD v4.1: 2 of 1,614,166 alleles (0.00012%); highest among the groups gnomAD compares: Non-Finnish European, 0.00017%; no homozygotes.

Submission:

Labcorp Genetics (formerly Invitae), Labcorp
Classification: Uncertain significance. Last evaluated: 2025-03-10. Review status: criteria provided, single submitter. Criteria: Invitae Variant Classification Sherloc (09022015). Collection method: clinical testing. Allele origin: germline.
Comment: This sequence change replaces methionine, which is neutral and non-polar, with isoleucine, which is neutral and non-polar, at codon 1819 of the FAT2 protein (p.Met1819Ile). This variant is present in population databases (no rsID available, gnomAD 0.0009%). This variant has not been reported in the literature in individuals affected with FAT2-related conditions. An algorithm developed to predict the effect of missense changes on protein structure and function (PolyPhen-2) suggests that this variant is likely to be disruptive. In summary, the available evidence is currently insufficient to determine the role of this variant in disease. Therefore, it has been classified as a Variant of Uncertain Significance.